The following is an entry in ClinVar:

NM_001367868.2(PLIN4):c.1821G>A (p.Gly607=)

Gene: PLIN4 (perilipin 4; minus strand). Cytogenetic location: 19p13.3.
Variant type: single nucleotide variant.
Coding change: c.1821G>A on transcript NM_001367868.2 (MANE Select); coding-DNA position 1821, G replaced by A.
Protein change: p.Gly607=; no amino-acid change (glycine 607 retained).
Molecular consequence: synonymous variant.
Genome position (GRCh38, 1-based): chr19:4,512,139, C>T on the plus strand (G>A on the coding strand, the complement: PLIN4 is on the minus strand). VCF-style: chr19-4512139-C-T. GRCh37 (hg19) VCF-style: chr19-4512151-C-T.
Other names: c.1824G>A, p.Gly608= (NM_001393888.1, NM_001393889.1); c.1821G>A, p.Gly607= (NM_001393890.1, NM_001393891.1).
Identifiers: ClinVar variation 3770618 (VCV003770618.13).

ClinVar aggregate classification (germline): Likely benign (1 of 4 stars; one submission).

Submission:

CeGaT Center for Human Genetics Tuebingen
Classification: Likely benign. Last evaluated: 2025-01-01. Review status: criteria provided, single submitter. Criteria: CeGaT Center For Human Genetics Tuebingen Variant Classification Criteria Version 2. Collection method: clinical testing. Allele origin: germline. Affected: yes. Observed: 1 variant allele.
Comment: PLIN4: BP4, BP7, BS1